The following is an entry in ClinVar:

ClinVar aggregate classification (germline): Uncertain significance (1 of 4 stars; one submission).

Conditions:
Inborn genetic diseases. Identifiers: MedGen C0950123, MeSH D030342.

Submission:

Ambry Genetics
Classification: Uncertain significance for Inborn genetic diseases. Last evaluated: 2025-09-26. Review status: criteria provided, single submitter. Criteria: Ambry Variant Classification Scheme 2023. Collection method: clinical testing. Allele origin: germline.
Comment: The p.M333L variant (also known as c.997A>C), located in coding exon 11 of the ASXL1 gene, results from an A to C substitution at nucleotide position 997. The methionine at codon 333 is replaced by leucine, an amino acid with highly similar properties. This amino acid position is conserved. In addition, this alteration is predicted to be tolerated by in silico analysis. Based on the available evidence, the clinical significance of this variant remains unclear.

NM_015338.6(ASXL1):c.997A>C (p.Met333Leu)

Gene: ASXL1 (ASXL transcriptional regulator 1; plus strand). Cytogenetic location: 20q11.21.
Variant type: single nucleotide variant.
Coding change: c.997A>C on transcript NM_015338.6 (MANE Select); coding-DNA position 997, A replaced by C.
Protein change: p.Met333Leu; replaces methionine 333 with leucine.
Molecular consequence: missense variant.
Genome position (GRCh38, 1-based): chr20:32,432,897, A>C. VCF-style: chr20-32432897-A-C. GRCh37 (hg19) VCF-style: chr20-31020700-A-C.
Other names: c.814A>C, p.Met272Leu (NM_001363734.1); short protein forms M333L, M272L.
Identifiers: ClinVar variation 4587354 (VCV004587354.1).